The following is an entry in ClinVar:

ClinVar aggregate classification (germline): Pathogenic/Likely pathogenic. Review status: criteria provided, multiple submitters, no conflicts (2 of 4 stars). 4 submissions from 4 submitters: Pathogenic (2); Likely pathogenic (2). Last evaluated 2026-04-06.

Conditions:
Hereditary insensitivity to pain with anhidrosis (CIPA). Also called: INSENSITIVITY TO PAIN, CONGENITAL, WITH ANHIDROSIS; FAMILIAL DYSAUTONOMIA, TYPE II; NEUROPATHY, CONGENITAL SENSORY, WITH ANHIDROSIS; NTRK1 Congenital Insensitivity to Pain with Anhidrosis; hereditary sensory and autonomic neuropathy type 4; HSAN Type IV. Identifiers: Orphanet 642, MedGen C0020074, MONDO:0009746, OMIM 256800.

Allele frequency attached by ClinVar (database versions not stated): gnomAD exomes 0.00004; ExAC 0.00005; gnomAD 0.00005; ESP Exome Variant Server 0.00016.
gnomAD v4.1: 25 of 1,553,760 alleles (0.0016%); highest among the groups gnomAD compares: African/African-American, 0.0096%; no homozygotes.

Submissions (4):

GeneDx
Classification: Likely pathogenic. Last evaluated: 2026-04-06. Review status: criteria provided, single submitter. Criteria: GeneDx Variant Classification Process June 2021. Collection method: clinical testing. Allele origin: germline.
Comment: Published functional studies demonstrate a damaging effect, indicating that a novel cryptic splice acceptor results in the addition of 17 nucleotides with a frameshift that creates a premature stop codon (PMID: 29770739, 30002500); This variant is associated with the following publications: (PMID: 30002500, 29770739, 32219930, Shu2023[CaseReport], 38833577)

Labcorp Genetics (formerly Invitae), Labcorp
Classification: Pathogenic for Hereditary insensitivity to pain with anhidrosis. Last evaluated: 2024-10-23. Review status: criteria provided, single submitter. Criteria: Invitae Variant Classification Sherloc (09022015). Collection method: clinical testing. Allele origin: germline.
Comment: This sequence change falls in intron 5 of the NTRK1 gene. It does not directly change the encoded amino acid sequence of the NTRK1 protein. This variant is present in population databases (rs370828525, gnomAD 0.008%). This variant has been observed in individual(s) with congenital insensitivity to pain with anhidrosis (PMID: 29770739). In at least one individual the data is consistent with being in trans (on the opposite chromosome) from a pathogenic variant. ClinVar contains an entry for this variant (Variation ID: 1073315). Studies have shown that this variant alters mRNA splicing and is expected to lead to the loss of protein expression (PMID: 29770739). For these reasons, this variant has been classified as Pathogenic.

Genome-Nilou Lab
Classification: Likely pathogenic for Hereditary insensitivity to pain with anhidrosis. Last evaluated: 2023-04-11. Review status: criteria provided, single submitter. Criteria: ACMG Guidelines, 2015. Collection method: clinical testing. Allele origin: germline. Affected: no.

Women's Health and Genetics/Laboratory Corporation of America, LabCorp
Classification: Pathogenic for Hereditary insensitivity to pain with anhidrosis. Last evaluated: 2022-12-31. Review status: criteria provided, single submitter. Criteria: LabCorp Variant Classification Summary - May 2015. Collection method: clinical testing. Allele origin: germline.
Comment: Variant summary: NTRK1 c.575-19G>A alters a non-conserved nucleotide located close to a canonical splice site and therefore could affect mRNA splicing, leading to a significantly altered protein sequence. Several computational tools predict a significant impact on normal splicing: Four predict the variant creates a cryptic 3' acceptor site. At least two independent publications using a mini-gene splicing assay have confirmed the variant affects mRNA splicing, resulting in a product that incorporates a 17-bp intronic sequence that is predicted to result in a frameshift with a premature termination (P194Lfs*9, Geng_2018, Shaikh_2018). The variant allele was found at a frequency of 4.4e-05 in 159664 control chromosomes (gnomAD). c.575-19G>A has been reported in the literature as a biallelic genotype in multiple individuals affected with Hereditary Insensitivity To Pain With Anhidrosis (Geng_2018, Shaikh_2018, Zhao_2020). These data indicate that the variant is very likely to be associated with disease. Two ClinVar submitters have assessed the variant since 2014: one classified the variant as likely pathogenic and one as pathogenic. Based on the evidence outlined above, the variant was classified as pathogenic.

Literature cited by the submitters: PubMed 29770739 (cited by Labcorp Genetics (formerly Invitae), Labcorp and Women's Health and Genetics/Laboratory Corporation of America, LabCorp); PubMed 30002500 (cited by Women's Health and Genetics/Laboratory Corporation of America, LabCorp); PubMed 32219930 (cited by Women's Health and Genetics/Laboratory Corporation of America, LabCorp).

NM_002529.4(NTRK1):c.575-19G>A

Gene: NTRK1 (neurotrophic receptor tyrosine kinase 1; plus strand). Cytogenetic location: 1q23.1.
Variant type: single nucleotide variant.
Coding change: c.575-19G>A on transcript NM_002529.4 (MANE Select); 19 bases into the intron before coding-DNA position 575, G replaced by A.
Molecular consequence: intron variant.
Genome position (GRCh38, 1-based): chr1:156,868,486, G>A. VCF-style: chr1-156868486-G-A. GRCh37 (hg19) VCF-style: chr1-156838278-G-A.
Other names: c.485-19G>A (NM_001007792.1); c.575-19G>A (NM_001012331.2).
Identifiers: ClinVar variation 1073315 (VCV001073315.12), dbSNP rs370828525, ClinGen allele CA1169045.